The following is an entry in ClinVar:

NM_205836.3(FBXO38):c.2679C>T (p.His893=)

Gene: FBXO38 (F-box protein 38; plus strand). Cytogenetic location: 5q32.
Variant type: single nucleotide variant.
Coding change: c.2679C>T on transcript NM_205836.3 (MANE Select); coding-DNA position 2679, C replaced by T.
Protein change: p.His893=; no amino-acid change (histidine 893 retained).
Molecular consequence: synonymous variant.
Genome position (GRCh38, 1-based): chr5:148,433,449, C>T. VCF-style: chr5-148433449-C-T. GRCh37 (hg19) VCF-style: chr5-147813012-C-T.
Other names: p.His818=; c.2454C>T (NM_030793.4); c.1944C>T, p.His648= (NM_001271723.2); c.2454C>T, p.His818= (NM_030793.5).
Identifiers: ClinVar variation 1126227 (VCV001126227.13), dbSNP rs747893527, ClinGen allele CA3497570.
Genomic context (GRCh38, chr5:148,433,449, plus strand): 5'-AAAATTTGGATTTTCTTTTTTTTTGCCTTTTTTAGAAGTAGCCAAAACAAAGCCACGTCA[C>T]GCCATGAAACGGAAGCGGACAGCAGATAAATCCACTAGTACAAGTGATCCTGTGATCGAG-3'
Protein context (NP_995308.1, residues 883-903): ESEVAKTKPR[His893=]AMKRKRTADK

ClinVar aggregate classification (germline): Likely benign. Review status: criteria provided, multiple submitters, no conflicts (2 of 4 stars). 3 submissions from 3 submitters: Likely benign (2). 1 of the submissions does not count toward it. Last evaluated 2025-10-19.

Conditions:
FBXO38-related disorder. Also called: FBXO38-related condition.
Distal hereditary motor neuropathy type 2. Identifiers: Orphanet 139525, MedGen C3711384, MeSH C580044, MONDO:0015352.

Allele frequency attached by ClinVar (database versions not stated): ExAC 0.00002; gnomAD 0.00002; gnomAD exomes 0.00002 and 0.00010; TOPMed 0.00003.
gnomAD v4.1: 140 of 1,613,296 alleles (0.0087%); highest among the groups gnomAD compares: Non-Finnish European, 0.011%; 1 homozygote.

Submissions (3):

Mayo Clinic Laboratories, Mayo Clinic
Classification: Likely benign. Last evaluated: 2025-10-19. Review status: criteria provided, single submitter. Criteria: ACMG Guidelines, 2015. Collection method: clinical testing. Allele origin: germline. Observed: 1 variant allele.
Comment: BS2, BP4, BP7

Labcorp Genetics (formerly Invitae), Labcorp
Classification: Likely benign for Distal hereditary motor neuropathy type 2. Last evaluated: 2024-04-15. Review status: criteria provided, single submitter. Criteria: Invitae Variant Classification Sherloc (09022015). Collection method: clinical testing. Allele origin: germline.

PreventionGenetics, part of Exact Sciences
Classification: Likely benign for FBXO38-related condition. Last evaluated: 2023-06-09. Review status: no assertion criteria provided. Collection method: clinical testing. Allele origin: germline. Not counted in ClinVar's aggregate classification.
Comment: This variant is classified as likely benign based on ACMG/AMP sequence variant interpretation guidelines (Richards et al. 2015 PMID: 25741868, with internal and published modifications).